The following is an entry in ClinVar:

NM_003718.5(CDK13):c.3843C>T (p.Asn1281=)

Gene: CDK13 (cyclin dependent kinase 13; plus strand). Cytogenetic location: 7p14.1.
Variant type: single nucleotide variant.
Coding change: c.3843C>T on transcript NM_003718.5 (MANE Select); coding-DNA position 3843, C replaced by T.
Protein change: p.Asn1281=; no amino-acid change (asparagine 1281 retained).
Molecular consequence: synonymous variant.
Genome position (GRCh38, 1-based): chr7:40,094,284, C>T. VCF-style: chr7-40094284-C-T. GRCh37 (hg19) VCF-style: chr7-40133883-C-T.
Other names: c.3663C>T, p.Asn1221= (NM_031267.4).
Identifiers: ClinVar variation 1976381 (VCV001976381.7), dbSNP rs371033303, ClinGen allele CA4229022.
Genomic context (GRCh38, chr7:40,094,284, plus strand): 5'-TCCCGAGCCTCCTGAACCACCACCAGTCACTGAGGAAGATCTAGATTATCGGACAGAAAA[C>T]CAGCATGTACCCACCACCAGTTCTTCATTAACTGACCCTCATGCCGGAGTGAAGGCAGCC-3'
Protein context (NP_003709.3, residues 1271-1291): TEEDLDYRTE[Asn1281=]QHVPTTSSSL

ClinVar aggregate classification (germline): Likely benign. Review status: criteria provided, single submitter (1 of 4 stars). 2 submissions from 2 submitters: Likely benign (1). 1 of the submissions does not count toward it. Last evaluated 2025-05-21.

Conditions:
CDK13-related disorder. Also called: CDK13-related condition. Identifiers: MedGen C5816700.

Allele frequency attached by ClinVar (database versions not stated): gnomAD exomes 0.00001; ExAC 0.00002; TOPMed 0.00006; gnomAD 0.00008; ESP Exome Variant Server 0.00015; 1000 Genomes Project 0.00020; 1000 Genomes Project 30x 0.00031.
gnomAD v4.1: 22 of 1,612,272 alleles (0.0014%); highest among the groups gnomAD compares: African/African-American, 0.016%; no homozygotes.

Submissions (2):

Labcorp Genetics (formerly Invitae), Labcorp
Classification: Likely benign. Last evaluated: 2025-05-21. Review status: criteria provided, single submitter. Criteria: Invitae Variant Classification Sherloc (09022015). Collection method: clinical testing. Allele origin: germline.

PreventionGenetics, part of Exact Sciences
Classification: Likely benign for CDK13-related condition. Last evaluated: 2019-05-01. Review status: no assertion criteria provided. Collection method: clinical testing. Allele origin: germline. Not counted in ClinVar's aggregate classification.
Comment: This variant is classified as likely benign based on ACMG/AMP sequence variant interpretation guidelines (Richards et al. 2015 PMID: 25741868, with internal and published modifications).